The following is an entry in ClinVar:

NM_001142800.2(EYS):c.3793C>T (p.Pro1265Ser)

Gene: EYS (eyes shut homolog; minus strand). Cytogenetic location: 6q12.
Variant type: single nucleotide variant.
Coding change: c.3793C>T on transcript NM_001142800.2 (MANE Select); coding-DNA position 3793, C replaced by T.
Protein change: p.Pro1265Ser; replaces proline 1265 with serine.
Molecular consequence: missense variant.
Genome position (GRCh38, 1-based): chr6:64,593,201, G>A on the plus strand (C>T on the coding strand, the complement: EYS is on the minus strand). VCF-style: chr6-64593201-G-A. GRCh37 (hg19) VCF-style: chr6-65303094-G-A.
Other names: c.3793C>T, p.Pro1265Ser (NM_001292009.2); c.3793C>T (NM_001142800.1); short protein forms P1265S.
Identifiers: ClinVar variation 1050906 (VCV001050906.5), dbSNP rs1245332279, ClinGen allele CA364784715.
Genomic context (GRCh38, chr6:64,593,201, plus strand): 5'-TTATGGCTGGTATTCTAGTAGCCTTTATAGATGGAAAGCTGCTGACCAAAGTCTCAGAAG[G>A]GGGAATTGTATATGTCTGTGTGGAAATGGGATCTGTTCTTTGAAAGATGGGAGTTAAACA-3'
Protein context (NP_001136272.1, residues 1255-1275): PISTQTYTIP[Pro1265Ser]SETLVSSFPS

ClinVar aggregate classification (germline): Uncertain significance. Review status: criteria provided, multiple submitters, no conflicts (2 of 4 stars). 3 submissions from 3 submitters: Uncertain significance (2). 1 of the submissions does not count toward it. Last evaluated 2022-07-26.

Conditions:
Inborn genetic diseases. Identifiers: MedGen C0950123, MeSH D030342.
Retinitis pigmentosa 25 (RP25). Identifiers: Orphanet 791, MedGen C1864446, MONDO:0011272, OMIM 602772.

Allele frequency attached by ClinVar (database versions not stated): gnomAD exomes 0.00001; gnomAD 0.00003; TOPMed 0.00003.
gnomAD v4.1: 32 of 1,549,858 alleles (0.0021%); highest among the groups gnomAD compares: African/African-American, 0.0027%; no homozygotes.

Submissions (3):

Ambry Genetics
Classification: Uncertain significance for Inborn genetic diseases. Last evaluated: 2022-07-26. Review status: criteria provided, single submitter. Criteria: Ambry Variant Classification Scheme 2023. Collection method: clinical testing. Allele origin: germline.

Labcorp Genetics (formerly Invitae), Labcorp
Classification: Uncertain significance. Last evaluated: 2021-08-28. Review status: criteria provided, single submitter. Criteria: Invitae Variant Classification Sherloc (09022015). Collection method: clinical testing. Allele origin: germline.
Comment: This sequence change replaces proline with serine at codon 1265 of the EYS protein (p.Pro1265Ser). The proline residue is weakly conserved and there is a moderate physicochemical difference between proline and serine. This variant is not present in population databases (ExAC no frequency). This variant has not been reported in the literature in individuals affected with EYS-related conditions. Algorithms developed to predict the effect of missense changes on protein structure and function output the following: SIFT: "Tolerated"; PolyPhen-2: "Benign"; Align-GVGD: "Class C0". The serine amino acid residue is found in multiple mammalian species, which suggests that this missense change does not adversely affect protein function. In summary, the available evidence is currently insufficient to determine the role of this variant in disease. Therefore, it has been classified as a Variant of Uncertain Significance.

Natera, Inc.
Classification: Uncertain significance for Retinitis pigmentosa type 25. Last evaluated: 2020-10-28. Review status: no assertion criteria provided. Collection method: clinical testing. Allele origin: germline. Not counted in ClinVar's aggregate classification.